The following is an entry in ClinVar:

NM_001376.5(DYNC1H1):c.4573G>C (p.Asp1525His)

Gene: DYNC1H1 (dynein cytoplasmic 1 heavy chain 1; plus strand). Cytogenetic location: 14q32.31.
Variant type: single nucleotide variant.
Coding change: c.4573G>C on transcript NM_001376.5 (MANE Select); coding-DNA position 4573, G replaced by C.
Protein change: p.Asp1525His; replaces aspartic acid 1525 with histidine.
Molecular consequence: missense variant.
Genome position (GRCh38, 1-based): chr14:102,002,567, G>C. VCF-style: chr14-102002567-G-C. GRCh37 (hg19) VCF-style: chr14-102468904-G-C.
Other names: short protein forms D1525H.
Identifiers: ClinVar variation 2762760 (VCV002762760.3), dbSNP rs2503733642, ClinGen allele CA391043023.
Genomic context (GRCh38, chr14:102,002,567, plus strand): 5'-GTTTACCTCTCCCTCCTGTCTGCCCACCAGGTTTTTGAAGAGGATGCTCTCAGCTGGGAA[G>C]ATAAGCTGAACAGGATCATGGCTCTCTTTGATGTGTGGATTGATGTGCAGAGGCGGTGGG-3'
Protein context (NP_001367.2, residues 1515-1535): VFEEDALSWE[Asp1525His]KLNRIMALFD

ClinVar aggregate classification (germline): Uncertain significance (1 of 4 stars; one submission).

Conditions:
Charcot-Marie-Tooth disease axonal type 2O. Also called: Charcot-Marie-Tooth disease, axonal, type 20; Charcot-Marie-Tooth Neuropathy Type 2O; CHARCOT-MARIE-TOOTH NEUROPATHY, AXONAL, TYPE 2O; CHARCOT-MARIE-TOOTH DISEASE, AXONAL, AUTOSOMAL DOMINANT, TYPE 2O. Identifiers: Orphanet 284232, MedGen C3280220, MONDO:0013644, OMIM 614228.

Submission:

Labcorp Genetics (formerly Invitae), Labcorp
Classification: Uncertain significance for Charcot-Marie-Tooth disease axonal type 2O. Last evaluated: 2023-09-22. Review status: criteria provided, single submitter. Criteria: Invitae Variant Classification Sherloc (09022015). Collection method: clinical testing. Allele origin: germline.
Comment: Advanced modeling of protein sequence and biophysical properties (such as structural, functional, and spatial information, amino acid conservation, physicochemical variation, residue mobility, and thermodynamic stability) performed at Invitae indicates that this missense variant is expected to disrupt DYNC1H1 protein function. This sequence change replaces aspartic acid, which is acidic and polar, with histidine, which is basic and polar, at codon 1525 of the DYNC1H1 protein (p.Asp1525His). This variant is not present in population databases (gnomAD no frequency). This variant has not been reported in the literature in individuals affected with DYNC1H1-related conditions. In summary, the available evidence is currently insufficient to determine the role of this variant in disease. Therefore, it has been classified as a Variant of Uncertain Significance.